The following is an entry in ClinVar:

ClinVar aggregate classification (germline): Uncertain significance (1 of 4 stars; one submission).

Conditions:
Short-rib thoracic dysplasia 14 with polydactyly (SRTD14). Identifiers: Orphanet 397715, MedGen C4225286, MONDO:0014688, OMIM 616546.
Joubert syndrome 23 (JBTS23). Identifiers: Orphanet 475, MedGen C4084822, MONDO:0014664, OMIM 616490.

Submission:

Labcorp Genetics (formerly Invitae), Labcorp
Classification: Uncertain significance for Joubert syndrome 23; Short-rib thoracic dysplasia 14 with polydactyly. Last evaluated: 2025-11-03. Review status: criteria provided, single submitter. Criteria: Invitae Variant Classification Sherloc (09022015). Collection method: clinical testing. Allele origin: germline.
Comment: This sequence change replaces glutamine, which is neutral and polar, with histidine, which is basic and polar, at codon 1539 of the KIAA0586 protein (p.Gln1539His). This variant is not present in population databases (gnomAD no frequency). This variant has not been reported in the literature in individuals affected with KIAA0586-related conditions. ClinVar contains an entry for this variant (Variation ID: 1060216). An algorithm developed to predict the effect of missense changes on protein structure and function outputs the following: PolyPhen-2: "Possibly Damaging". The histidine amino acid residue is found in multiple mammalian species, which suggests that this missense change does not adversely affect protein function. In summary, the available evidence is currently insufficient to determine the role of this variant in disease. Therefore, it has been classified as a Variant of Uncertain Significance.

NM_001329943.3(KIAA0586):c.4458A>T (p.Gln1486His)

Gene: KIAA0586 (KIAA0586; plus strand). Cytogenetic location: 14q23.1.
Variant type: single nucleotide variant.
Coding change: c.4458A>T on transcript NM_001329943.3 (MANE Select); coding-DNA position 4458, A replaced by T.
Protein change: p.Gln1486His; replaces glutamine 1486 with histidine.
Molecular consequence: missense variant. On other transcripts: intron variant (2).
Genome position (GRCh38, 1-based): chr14:58,540,099, A>T. VCF-style: chr14-58540099-A-T. GRCh37 (hg19) VCF-style: chr14-59006817-A-T.
Other names: c.4617A>T, p.Gln1539His (NM_001244189.2); c.4413A>T, p.Gln1471His (NM_001244190.2); c.4203A>T, p.Gln1401His (NM_001244191.2, NM_001364701.2); c.4326A>T, p.Gln1442His (NM_001244192.2, NM_001329947.2); c.4458A>T, p.Gln1486His (NM_001329944.2); c.4230A>T, p.Gln1410His (NM_014749.5); c.4430-7682A>T (NM_001329946.2); c.4175-7682A>T (NM_001329945.2); short protein forms Q1401H, Q1410H, Q1442H, Q1471H, Q1486H, Q1539H.
Identifiers: ClinVar variation 1060216 (VCV001060216.7), dbSNP rs2140098041, ClinGen allele CA390058926.
Genomic context (GRCh38, chr14:58,540,099, plus strand): 5'-ATTTTCTTCTGAAAAAATAAATTTTTATGTAGTTTCACCAGGTGATATGGATCGGACACA[A>T]ATTGAGCTTAATCCGTACCTCACATGTGTATTTTCAGGTAAGATTTTTACTTTAAAAGTT-3'
Protein context (NP_001316872.1, residues 1476-1496): QVSPGDMDRT[Gln1486His]IELNPYLTCV